The following is an entry in ClinVar:

ClinVar aggregate classification (germline): Uncertain significance. Review status: criteria provided, multiple submitters, no conflicts (2 of 4 stars). 2 submissions from 2 submitters: Uncertain significance (2). Last evaluated 2026-07-31.

Conditions:
Hereditary cancer-predisposing syndrome. Also called: Neoplastic Syndromes, Hereditary; Hereditary neoplastic syndrome; Hereditary Cancer Syndrome; Tumor predisposition. Identifiers: Orphanet 140162, MedGen C0027672, MeSH D009386, MONDO:0015356.

gnomAD v4.1: 1 of 1,613,920 alleles (0.000062%); highest among the groups gnomAD compares: Non-Finnish European, 0.000085%; no homozygotes.

Submissions (2):

Ambry Genetics
Classification: Uncertain significance for Hereditary cancer-predisposing syndrome. Last evaluated: 2026-07-31. Review status: criteria provided, single submitter. Criteria: Ambry Variant Classification Scheme 2023. Collection method: clinical testing. Allele origin: germline.
Comment: The p.R2131L variant (also known as c.6392G>T), located in coding exon 46 of the POLE gene, results from a G to T substitution at nucleotide position 6392. The arginine at codon 2131 is replaced by leucine, an amino acid with dissimilar properties. This amino acid position is highly conserved in available vertebrate species. In addition, the in silico prediction for this alteration is inconclusive. Based on the available evidence, the clinical significance of this variant remains unclear.

Labcorp Genetics (formerly Invitae), Labcorp
Classification: Uncertain significance. Last evaluated: 2022-06-26. Review status: criteria provided, single submitter. Criteria: Invitae Variant Classification Sherloc (09022015). Collection method: clinical testing. Allele origin: germline.
Comment: This sequence change replaces arginine, which is basic and polar, with leucine, which is neutral and non-polar, at codon 2131 of the POLE protein (p.Arg2131Leu). This variant is not present in population databases (gnomAD no frequency). In summary, the available evidence is currently insufficient to determine the role of this variant in disease. Therefore, it has been classified as a Variant of Uncertain Significance. Algorithms developed to predict the effect of missense changes on protein structure and function are either unavailable or do not agree on the potential impact of this missense change (SIFT: "Deleterious"; PolyPhen-2: "Benign"; Align-GVGD: "Class C0"). ClinVar contains an entry for this variant (Variation ID: 473801). This variant has not been reported in the literature in individuals affected with POLE-related conditions.

NM_006231.4(POLE):c.6392G>T (p.Arg2131Leu)

Gene: POLE (DNA polymerase epsilon, catalytic subunit; minus strand). Cytogenetic location: 12q24.33.
Variant type: single nucleotide variant.
Coding change: c.6392G>T on transcript NM_006231.4 (MANE Select); coding-DNA position 6392, G replaced by T.
Protein change: p.Arg2131Leu; replaces arginine 2131 with leucine.
Molecular consequence: missense variant.
Genome position (GRCh38, 1-based): chr12:132,626,256, C>A on the plus strand (G>T on the coding strand, the complement: POLE is on the minus strand). VCF-style: chr12-132626256-C-A. GRCh37 (hg19) VCF-style: chr12-133202842-C-A.
Other names: c.6392G>T (NM_006231.2); short protein forms R2131L.
Identifiers: ClinVar variation 473801 (VCV000473801.9), dbSNP rs141954509, ClinGen allele CA387367712.